The following is an entry in ClinVar:

NM_004360.5(CDH1):c.2467A>C (p.Thr823Pro)

Gene: CDH1 (cadherin 1; plus strand). Cytogenetic location: 16q22.1.
Variant type: single nucleotide variant.
Coding change: c.2467A>C on transcript NM_004360.5 (MANE Select); coding-DNA position 2467, A replaced by C.
Protein change: p.Thr823Pro; replaces threonine 823 with proline.
Molecular consequence: missense variant.
Genome position (GRCh38, 1-based): chr16:68,833,317, A>C. VCF-style: chr16-68833317-A-C. GRCh37 (hg19) VCF-style: chr16-68867220-A-C.
Other names: c.2284A>C, p.Thr762Pro (NM_001317184.2); c.919A>C, p.Thr307Pro (NM_001317185.2); c.502A>C, p.Thr168Pro (NM_001317186.2); short protein forms T168P, T823P, T307P, T762P.
Identifiers: ClinVar variation 1791698 (VCV001791698.2), dbSNP rs878854686, ClinGen allele CA396472033.

ClinVar aggregate classification (germline): Uncertain significance (1 of 4 stars; one submission).

Conditions:
Hereditary cancer-predisposing syndrome. Also called: Hereditary Cancer Syndrome; Hereditary neoplastic syndrome; Tumor predisposition; Neoplastic Syndromes, Hereditary. Identifiers: Orphanet 140162, MedGen C0027672, MeSH D009386, MONDO:0015356.

Submission:

Ambry Genetics
Classification: Uncertain significance for Hereditary cancer-predisposing syndrome. Last evaluated: 2022-05-01. Review status: criteria provided, single submitter. Criteria: Ambry Variant Classification Scheme 2023. Collection method: clinical testing. Allele origin: germline.
Comment: The p.T823P variant (also known as c.2467A>C), located in coding exon 16 of the CDH1 gene, results from an A to C substitution at nucleotide position 2467. The threonine at codon 823 is replaced by proline, an amino acid with highly similar properties. This amino acid position is conserved. In addition, the in silico prediction for this alteration is inconclusive. Since supporting evidence is limited at this time, the clinical significance of this alteration remains unclear.